The following is an entry in ClinVar:

NM_006019.4(TCIRG1):c.170G>A (p.Arg57His)

Gene: TCIRG1 (T cell immune regulator 1, ATPase H+ transporting V0 subunit a3; plus strand). Cytogenetic location: 11q13.2.
Variant type: single nucleotide variant.
Coding change: c.170G>A on transcript NM_006019.4 (MANE Select); coding-DNA position 170, G replaced by A.
Protein change: p.Arg57His; replaces arginine 57 with histidine.
Molecular consequence: missense variant. On other transcripts: 5 prime UTR variant (1).
Genome position (GRCh38, 1-based): chr11:68,041,805, G>A. VCF-style: chr11-68041805-G-A. GRCh37 (hg19) VCF-style: chr11-67809272-G-A.
Other names: c.-1080G>A (NM_001351059.2); short protein forms R57H.
Identifiers: ClinVar variation 3600158 (VCV003600158.2).

ClinVar aggregate classification (germline): Uncertain significance. Review status: criteria provided, multiple submitters, no conflicts (2 of 4 stars). 2 submissions from 2 submitters: Uncertain significance (2). Last evaluated 2025-10-01.

Conditions:
Autosomal recessive osteopetrosis 1. Also called: ALBERS-SCHONBERG DISEASE, AUTOSOMAL RECESSIVE; TCIRG1-Related Osteopetrosis; TCIRG1-Related Autosomal Recessive Osteopetrosis. Identifiers: Orphanet 667, MedGen C1850127, MONDO:0009815, OMIM 259700.

Submissions (2):

Labcorp Genetics (formerly Invitae), Labcorp
Classification: Uncertain significance. Last evaluated: 2025-10-01. Review status: criteria provided, single submitter. Criteria: Invitae Variant Classification Sherloc (09022015). Collection method: clinical testing. Allele origin: germline.
Comment: This sequence change replaces arginine, which is basic and polar, with histidine, which is basic and polar, at codon 57 of the TCIRG1 protein (p.Arg57His). The frequency data for this variant in the population databases is considered unreliable, as metrics indicate poor data quality at this position in the gnomAD database. This variant has not been reported in the literature in individuals affected with TCIRG1-related conditions. ClinVar contains an entry for this variant (Variation ID: 3600158). Invitae Evidence Modeling of protein sequence and biophysical properties (such as structural, functional, and spatial information, amino acid conservation, physicochemical variation, residue mobility, and thermodynamic stability) indicates that this missense variant is not expected to disrupt TCIRG1 protein function with a negative predictive value of 80%. In summary, the available evidence is currently insufficient to determine the role of this variant in disease. Therefore, it has been classified as a Variant of Uncertain Significance.

Fulgent Genetics
Classification: Uncertain significance for Autosomal recessive osteopetrosis 1. Last evaluated: 2024-06-13. Review status: criteria provided, single submitter. Criteria: ACMG Guidelines, 2015. Collection method: clinical testing. Allele origin: germline.